The following is an entry in ClinVar:

NM_005502.4(ABCA1):c.3787+1G>A

Gene: ABCA1 (ATP binding cassette subfamily A member 1; minus strand). Cytogenetic location: 9q31.1.
Variant type: single nucleotide variant.
Coding change: c.3787+1G>A on transcript NM_005502.4 (MANE Select); the canonical splice donor site of the intron after coding-DNA position 3787, G replaced by A.
Molecular consequence: splice donor variant.
Genome position (GRCh38, 1-based): chr9:104,814,426, C>T on the plus strand (G>A on the coding strand, the complement: ABCA1 is on the minus strand). VCF-style: chr9-104814426-C-T. GRCh37 (hg19) VCF-style: chr9-107576707-C-T.
Identifiers: ClinVar variation 2110925 (VCV002110925.4), dbSNP rs2538118927, ClinGen allele CA374317782.

ClinVar aggregate classification (germline): Likely pathogenic (1 of 4 stars; one submission).

Submission:

Labcorp Genetics (formerly Invitae), Labcorp
Classification: Likely pathogenic. Last evaluated: 2022-03-13. Review status: criteria provided, single submitter. Criteria: Invitae Variant Classification Sherloc (09022015). Collection method: clinical testing. Allele origin: germline.
Comment: This sequence change affects a donor splice site in intron 26 of the ABCA1 gene. It is expected to disrupt RNA splicing. Variants that disrupt the donor or acceptor splice site typically lead to a loss of protein function (PMID: 16199547), and loss-of-function variants in ABCA1 are known to be pathogenic (PMID: 10525055, 10760292, 20880529). This variant is not present in population databases (gnomAD no frequency). This variant has not been reported in the literature in individuals affected with ABCA1-related conditions. Algorithms developed to predict the effect of sequence changes on RNA splicing suggest that this variant may disrupt the consensus splice site. In summary, the currently available evidence indicates that the variant is pathogenic, but additional data are needed to prove that conclusively. Therefore, this variant has been classified as Likely Pathogenic.

Literature cited by the submitters: PubMed 16199547; PubMed 10525055; PubMed 10760292; PubMed 20880529.